The following is an entry in ClinVar:

NM_001080467.3(MYO5B):c.3141C>A (p.Ala1047=)

Gene: MYO5B (myosin VB; minus strand). Cytogenetic location: 18q21.1.
Variant type: single nucleotide variant.
Coding change: c.3141C>A on transcript NM_001080467.3 (MANE Select); coding-DNA position 3141, C replaced by A.
Protein change: p.Ala1047=; no amino-acid change (alanine 1047 retained).
Molecular consequence: synonymous variant.
Genome position (GRCh38, 1-based): chr18:49,879,080, G>T on the plus strand (C>A on the coding strand, the complement: MYO5B is on the minus strand). VCF-style: chr18-49879080-G-T. GRCh37 (hg19) VCF-style: chr18-47405450-G-T.
Identifiers: ClinVar variation 3052138 (VCV003052138.2), dbSNP rs2024558488, ClinGen allele CA503861042.

ClinVar aggregate classification (germline): Likely benign (0 of 4 stars; one submission).

Conditions:
MYO5B-related disorder. Also called: MYO5B-related condition.

Submission:

PreventionGenetics, part of Exact Sciences
Classification: Likely benign for MYO5B-related condition. Last evaluated: 2023-01-13. Review status: no assertion criteria provided. Collection method: clinical testing. Allele origin: germline.
Comment: This variant is classified as likely benign based on ACMG/AMP sequence variant interpretation guidelines (Richards et al. 2015 PMID: 25741868, with internal and published modifications).